The following is an entry in ClinVar:

NM_001183.6(ATP6AP1):c.241G>T (p.Ala81Ser)

Gene: ATP6AP1 (ATPase H+ transporting accessory protein 1; plus strand). Cytogenetic location: Xq28.
Variant type: single nucleotide variant.
Coding change: c.241G>T on transcript NM_001183.6 (MANE Select); coding-DNA position 241, G replaced by T.
Protein change: p.Ala81Ser; replaces alanine 81 with serine.
Molecular consequence: missense variant.
Genome position (GRCh38, 1-based): chrX:154,429,127, G>T. VCF-style: chrX-154429127-G-T. GRCh37 (hg19) VCF-style: chrX-153657473-G-T.
Other names: short protein forms A81S.
Identifiers: ClinVar variation 3663572 (VCV003663572.2).
Genomic context (GRCh38, chrX:154,429,127, plus strand): 5'-GCCGACACTCATGAAGGCCACATCACCAGCGACTTGCAGCTCTCTACCTACTTAGATCCC[G>T]CCCTGGAGCTGGGTCCCAGGAATGTGCTGCTGTTCCTGCAGGACAAGGTGCGCCCGCCCC-3'
Protein context (NP_001174.2, residues 71-91): DLQLSTYLDP[Ala81Ser]LELGPRNVLL

ClinVar aggregate classification (germline): Uncertain significance (1 of 4 stars; one submission).

gnomAD v4.1: 1 of 1,211,557 alleles (0.000083%); highest among the groups gnomAD compares: South Asian, 0.0018%; no homozygotes.

Submission:

Labcorp Genetics (formerly Invitae), Labcorp
Classification: Uncertain significance. Last evaluated: 2025-05-26. Review status: criteria provided, single submitter. Criteria: Invitae Variant Classification Sherloc (09022015). Collection method: clinical testing. Allele origin: germline.
Comment: This sequence change replaces alanine, which is neutral and non-polar, with serine, which is neutral and polar, at codon 81 of the ATP6AP1 protein (p.Ala81Ser). This variant is not present in population databases (gnomAD no frequency). This variant has not been reported in the literature in individuals affected with ATP6AP1-related conditions. ClinVar contains an entry for this variant (Variation ID: 3663572). Invitae Evidence Modeling of protein sequence and biophysical properties (such as structural, functional, and spatial information, amino acid conservation, physicochemical variation, residue mobility, and thermodynamic stability) indicates that this missense variant is expected to disrupt ATP6AP1 protein function with a positive predictive value of 80%. In summary, the available evidence is currently insufficient to determine the role of this variant in disease. Therefore, it has been classified as a Variant of Uncertain Significance.